The following is an entry in ClinVar:

ClinVar aggregate classification (germline): Uncertain significance (1 of 4 stars; one submission).

Conditions:
Autosomal recessive limb-girdle muscular dystrophy type 2P. Also called: MUSCULAR DYSTROPHY, LIMB-GIRDLE, TYPE 2P; Limb-Girdle Muscular Dystrophy Type 9C; MUSCULAR DYSTROPHY-DYSTROGLYCANOPATHY, LIMB-GIRDLE, DAG1-RELATED. Identifiers: Orphanet 280333, MedGen C4511963, MONDO:0013440, OMIM 613818.
Muscular dystrophy-dystroglycanopathy (congenital with brain and eye anomalies), type A9. Also called: WALKER-WARBURG SYNDROME OR MUSCLE-EYE BRAIN DISEASE, DAG1-RELATED; Muscular dystrophy-dystroglycanopathy (congenital with brain and eye anomalies), type a, 9. Identifiers: Orphanet 370997, Orphanet 899, MedGen C4225291, MONDO:0014683, OMIM 616538.

Allele frequency attached by ClinVar (database versions not stated): TOPMed below 0.00001.

Submission:

Labcorp Genetics (formerly Invitae), Labcorp
Classification: Uncertain significance for Autosomal recessive limb-girdle muscular dystrophy type 2P; Muscular dystrophy-dystroglycanopathy (congenital with brain and eye anomalies), type A9. Last evaluated: 2022-03-20. Review status: criteria provided, single submitter. Criteria: Invitae Variant Classification Sherloc (09022015). Collection method: clinical testing. Allele origin: germline.
Comment: In summary, the available evidence is currently insufficient to determine the role of this variant in disease. Therefore, it has been classified as a Variant of Uncertain Significance. This sequence change replaces arginine, which is basic and polar, with methionine, which is neutral and non-polar, at codon 282 of the DAG1 protein (p.Arg282Met). This variant is not present in population databases (gnomAD no frequency). This variant has not been reported in the literature in individuals affected with DAG1-related conditions. Algorithms developed to predict the effect of missense changes on protein structure and function are either unavailable or do not agree on the potential impact of this missense change (SIFT: "Deleterious"; PolyPhen-2: "Possibly Damaging"; Align-GVGD: "Class C0").

NM_004393.6(DAG1):c.845G>T (p.Arg282Met)

Gene: DAG1 (dystroglycan 1; plus strand). Cytogenetic location: 3p21.31.
Variant type: single nucleotide variant.
Coding change: c.845G>T on transcript NM_004393.6 (MANE Select); coding-DNA position 845, G replaced by T.
Protein change: p.Arg282Met; replaces arginine 282 with methionine.
Molecular consequence: missense variant.
Genome position (GRCh38, 1-based): chr3:49,531,356, G>T. VCF-style: chr3-49531356-G-T. GRCh37 (hg19) VCF-style: chr3-49568789-G-T.
Other names: c.845G>T, p.Arg282Met (NM_001165928.4, NM_001177634.3, NM_001177635.3 and 9 more transcripts); short protein forms R282M.
Identifiers: ClinVar variation 2115158 (VCV002115158.3), dbSNP rs2051339024, ClinGen allele CA352794207.